The following is an entry in ClinVar:

NM_015691.5(WWC3):c.1881C>T (p.His627=)

Gene: WWC3 (WWC family member 3; plus strand). Cytogenetic location: Xp22.2.
Variant type: single nucleotide variant.
Coding change: c.1881C>T on transcript NM_015691.5; coding-DNA position 1881, C replaced by T.
Protein change: p.His627=; no amino-acid change (histidine 627 retained).
Molecular consequence: synonymous variant.
Genome position (GRCh38, 1-based): chrX:10,117,565, C>T. VCF-style: chrX-10117565-C-T. GRCh37 (hg19) VCF-style: chrX-10085605-C-T.
Identifiers: ClinVar variation 2659964 (VCV002659964.24), dbSNP rs369662287, ClinGen allele CA10346426.
Genomic context (GRCh38, chrX:10,117,565, plus strand): 5'-GCAGCTGGCGGACAGCTGTGAGGGGCCAGGCCTGGGCGCCCTAGACAGACTGCGGGCACA[C>T]GCCTCGGCTATGGGGGACGAAGACTTACCAGGCATGGCGGCCCTTCAGCCACACGGGGTC-3'

ClinVar aggregate classification (germline): Likely benign (1 of 4 stars; one submission).

Allele frequency attached by ClinVar (database versions not stated): ExAC 0.00003; gnomAD 0.00014; TOPMed 0.00017; gnomAD exomes 0.00022; ESP Exome Variant Server 0.00039.

Submission:

CeGaT Center for Human Genetics Tuebingen
Classification: Likely benign. Last evaluated: 2022-09-01. Review status: criteria provided, single submitter. Criteria: CeGaT Center For Human Genetics Tuebingen Variant Classification Criteria Version 2. Collection method: clinical testing. Allele origin: germline. Affected: yes. Observed: 1 variant allele.
Comment: WWC3: BP4, BP7